The following is an entry in ClinVar:

ClinVar aggregate classification (germline): Uncertain significance (1 of 4 stars; one submission).

Conditions:
Severe combined immunodeficiency due to IKK2 deficiency. Also called: IMMUNODEFICIENCY 15B; Immunodeficiency 15. Identifiers: Orphanet 397787, MedGen C4747743, MONDO:0014267, OMIM 615592.

Allele frequency attached by ClinVar (database versions not stated): gnomAD exomes below 0.00001 and 0.00001; ExAC 0.00002; TOPMed 0.00002; gnomAD 0.00003; ESP Exome Variant Server 0.00008.

Submission:

Labcorp Genetics (formerly Invitae), Labcorp
Classification: Uncertain significance for Severe combined immunodeficiency due to IKK2 deficiency. Last evaluated: 2024-07-04. Review status: criteria provided, single submitter. Criteria: Invitae Variant Classification Sherloc (09022015). Collection method: clinical testing. Allele origin: germline.
Comment: This sequence change replaces lysine, which is basic and polar, with asparagine, which is neutral and polar, at codon 628 of the IKBKB protein (p.Lys628Asn). This variant is present in population databases (rs372663781, gnomAD 0.01%). This variant has not been reported in the literature in individuals affected with IKBKB-related conditions. ClinVar contains an entry for this variant (Variation ID: 1382836). Advanced modeling of protein sequence and biophysical properties (such as structural, functional, and spatial information, amino acid conservation, physicochemical variation, residue mobility, and thermodynamic stability) performed at Invitae indicates that this missense variant is not expected to disrupt IKBKB protein function with a negative predictive value of 95%. In summary, the available evidence is currently insufficient to determine the role of this variant in disease. Therefore, it has been classified as a Variant of Uncertain Significance.

NM_001556.3(IKBKB):c.1884G>C (p.Lys628Asn)

Gene: IKBKB (inhibitor of nuclear factor kappa B kinase subunit beta; plus strand). Cytogenetic location: 8p11.21.
Variant type: single nucleotide variant.
Coding change: c.1884G>C on transcript NM_001556.3 (MANE Select); coding-DNA position 1884, G replaced by C.
Protein change: p.Lys628Asn; replaces lysine 628 with asparagine.
Molecular consequence: missense variant. On other transcripts: non-coding transcript variant (3).
Genome position (GRCh38, 1-based): chr8:42,322,392, G>C. VCF-style: chr8-42322392-G-C. GRCh37 (hg19) VCF-style: chr8-42179910-G-C.
Other names: c.1692G>C, p.Lys564Asn (NM_001190720.3); c.1707G>C, p.Lys569Asn (NM_001242778.2); short protein forms K628N, K564N, K569N.
Identifiers: ClinVar variation 1382836 (VCV001382836.7), dbSNP rs372663781, ClinGen allele CA4732143.
Genomic context (GRCh38, chr8:42,322,392, plus strand): 5'-GTTTATTCTTTGCAGTAAAACTGTGGTTTGCAAGCAGAAGGCGCTGGAACTGTTGCCCAA[G>C]GTGGAAGAGGTGGTGAGCTTAATGAATGAGGATGAGAAGACTGTTGTCCGGCTGCAGGAG-3'
Protein context (NP_001547.1, residues 618-638): CKQKALELLP[Lys628Asn]VEEVVSLMNE